The following is an entry in ClinVar:

ClinVar aggregate classification (germline): Benign/Likely benign. Review status: criteria provided, multiple submitters, no conflicts (2 of 4 stars). 12 submissions from 11 submitters: Benign (8); Likely benign (1). 3 of the submissions do not count toward it. Last evaluated 2026-02-04.

Conditions:
Joubert syndrome 32 (JBTS32). Identifiers: MedGen C4540342, MONDO:0033309, OMIM 617757.
Gorlin syndrome. Also called: Nevoid Basal Cell Carcinoma Syndrome; Basal cell nevus syndrome. Identifiers: Orphanet 377, MedGen C0004779, MONDO:0007187.
Medulloblastoma (MDB). Also called: MEDULLOBLASTOMA PREDISPOSITION SYNDROME; Medulloblastoma, somatic. Identifiers: Orphanet 616, MedGen C0025149, MeSH D008527, MONDO:0007959, OMIM 155255, HP:0002885.
Familial meningioma. Also called: Meningioma, familial, susceptibility to. Identifiers: Orphanet 263662, MedGen C3551915, MONDO:0011789, OMIM 607174.

Allele frequency attached by ClinVar (database versions not stated): 1000 Genomes Project 30x 0.39553; 1000 Genomes Project 0.39617; TOPMed 0.44243; gnomAD 0.46492; gnomAD exomes 0.47573; ESP Exome Variant Server 0.47955; ExAC 0.48567.
gnomAD v4.1: 831,500 of 1,613,042 alleles (52%); highest among the groups gnomAD compares: Middle Eastern, 59%; 219,966 homozygotes.

Submissions (12):

Labcorp Genetics (formerly Invitae), Labcorp
Classification: Benign for Gorlin syndrome; Medulloblastoma. Last evaluated: 2026-02-04. Review status: criteria provided, single submitter. Criteria: Invitae Variant Classification Sherloc (09022015). Collection method: clinical testing. Allele origin: germline.

Blueprint Genetics
Classification: Likely benign. Last evaluated: 2024-11-27. Review status: criteria provided, single submitter. Criteria: ACMG Guidelines, 2015. Collection method: clinical testing. Allele origin: germline.

KCCC/NGS Laboratory, Kuwait Cancer Control Center
Classification: Benign for Familial meningioma. Last evaluated: 2023-07-07. Review status: criteria provided, single submitter. Criteria: ACMG Guidelines, 2015. Collection method: clinical testing. Allele origin: germline. Affected: yes.

Genome-Nilou Lab
Classification: Benign for Basal cell nevus syndrome 1. Last evaluated: 2021-07-15. Review status: criteria provided, single submitter. Criteria: ACMG Guidelines, 2015. Collection method: clinical testing. Allele origin: germline. Affected: no.

Genome-Nilou Lab
Classification: Benign for Joubert syndrome 32. Last evaluated: 2021-07-15. Review status: criteria provided, single submitter. Criteria: ACMG Guidelines, 2015. Collection method: clinical testing. Allele origin: germline. Affected: no.

Women's Health and Genetics/Laboratory Corporation of America, LabCorp
Classification: Benign. Last evaluated: 2016-05-25. Review status: criteria provided, single submitter. Criteria: LabCorp Variant Classification Summary - May 2015. Collection method: clinical testing. Allele origin: germline.
Comment: Variant summary: The SUFU c.182+16C>T variant involves the alteration of a non-conserved intronic nucleotide at a position not widely known to affect splicing. 4/5 splice prediction tools predict no significant impact on normal splicing. This variant was found in 57271/117778 control chromosomes (including 14438 homozygotes) at a frequency of 0.4862623, which is approximately 482372 times the estimated maximal expected allele frequency of a pathogenic SUFU variant (0.000001), suggesting this variant is a common benign polymorphism. Therefore based on the nature and position of this variant and a high allele frequency in general population, it is classified as Benign.

GeneDx
Classification: Benign. Last evaluated: 2015-03-03. Review status: criteria provided, single submitter. Criteria: GeneDx Variant Classification Process June 2021. Collection method: clinical testing. Allele origin: germline. Affected: yes.

Breakthrough Genomics
Classification: Benign. Review status: criteria provided, single submitter. Criteria: ACMG Guidelines, 2015. Collection method: not provided. Allele origin: germline. Inheritance: Autosomal recessive inheritance. Affected: yes.

PreventionGenetics, part of Exact Sciences
Classification: Benign. Review status: criteria provided, single submitter. Criteria: ACMG Guidelines, 2015. Collection method: clinical testing. Allele origin: germline.

Clinical Genetics DNA and cytogenetics Diagnostics Lab, Erasmus MC, Erasmus Medical Center
Classification: Benign. Review status: no assertion criteria provided. Collection method: clinical testing. Allele origin: germline. Affected: yes. Study: VKGL Data-share Consensus. Not counted in ClinVar's aggregate classification.

Diagnostic Laboratory, Department of Genetics, University Medical Center Groningen
Classification: Benign. Review status: no assertion criteria provided. Collection method: clinical testing. Allele origin: germline. Affected: yes. Study: VKGL Data-share Consensus. Not counted in ClinVar's aggregate classification.

Joint Genome Diagnostic Labs from Nijmegen and Maastricht, Radboudumc and MUMC+
Classification: Benign. Review status: no assertion criteria provided. Collection method: clinical testing. Allele origin: germline. Affected: yes. Study: VKGL Data-share Consensus. Not counted in ClinVar's aggregate classification.

Literature cited by the submitters: PubMed 22508808 (cited by Women's Health and Genetics/Laboratory Corporation of America, LabCorp).

NM_016169.4(SUFU):c.182+16C>T

Gene: SUFU (SUFU negative regulator of hedgehog signaling; plus strand). Cytogenetic location: 10q24.32.
Variant type: single nucleotide variant.
Coding change: c.182+16C>T on transcript NM_016169.4 (MANE Select); 16 bases into the intron after coding-DNA position 182, C replaced by T.
Molecular consequence: intron variant.
Genome position (GRCh38, 1-based): chr10:102,504,350, C>T. VCF-style: chr10-102504350-C-T. GRCh37 (hg19) VCF-style: chr10-104264107-C-T.
Other names: c.182+16C>T (NM_001178133.2).
Identifiers: ClinVar variation 260689 (VCV000260689.22), dbSNP rs2274351, ClinGen allele CA5667612.